The following is an entry in ClinVar:

NM_005475.3(SH2B3):c.1513G>C (p.Gly505Arg)

Gene: SH2B3 (SH2B adaptor protein 3; plus strand). Cytogenetic location: 12q24.12.
Variant type: single nucleotide variant.
Coding change: c.1513G>C on transcript NM_005475.3 (MANE Select); coding-DNA position 1513, G replaced by C.
Protein change: p.Gly505Arg; replaces glycine 505 with arginine.
Molecular consequence: missense variant.
Genome position (GRCh38, 1-based): chr12:111,448,087, G>C. VCF-style: chr12-111448087-G-C. GRCh37 (hg19) VCF-style: chr12-111885891-G-C.
Other names: c.907G>C, p.Gly303Arg (NM_001291424.1); short protein forms G303R, G505R.
Identifiers: ClinVar variation 4826768 (VCV004826768.1).

ClinVar aggregate classification (germline): Uncertain significance (1 of 4 stars; one submission).

Conditions:
Inborn genetic diseases. Identifiers: MedGen C0950123, MeSH D030342.

gnomAD v4.1: 7 of 1,614,028 alleles (0.00043%); highest among the groups gnomAD compares: Non-Finnish European, 0.00059%; no homozygotes.

Submission:

Ambry Genetics
Classification: Uncertain significance for Inborn genetic diseases. Last evaluated: 2026-02-24. Review status: criteria provided, single submitter. Criteria: Ambry Variant Classification Scheme 2023. Collection method: clinical testing. Allele origin: germline.
Comment: The p.G505R variant (also known as c.1513G>C), located in coding exon 7 of the SH2B3 gene, results from a G to C substitution at nucleotide position 1513. The glycine at codon 505 is replaced by arginine, an amino acid with dissimilar properties. This amino acid position is conserved. In addition, this alteration is predicted to be tolerated by in silico analysis. Based on the available evidence, the clinical significance of this variant remains unclear.